The following is an entry in ClinVar:

ClinVar aggregate classification (germline): Pathogenic (1 of 4 stars; one submission).

Conditions:
Polycystic kidney disease 2 (PKD2). Also called: POLYCYSTIC KIDNEY DISEASE 2 WITH OR WITHOUT POLYCYSTIC LIVER DISEASE; Polycystic Kidney Disease 2, Autosomal Dominant; POLYCYSTIC KIDNEY DISEASE, ADULT, TYPE II. Identifiers: MedGen C2751306, MONDO:0013131, OMIM 613095.

Submission:

Juno Genomics, Hangzhou Juno Genomics, Inc
Classification: Pathogenic for Polycystic kidney disease 2. Review status: criteria provided, single submitter. Criteria: ACMG Guidelines, 2015. Collection method: clinical testing. Allele origin: germline. Affected: yes.
Comment: Absent from controls (or at extremely low frequency if recessive) in Genome Aggregation Database.;Null variant in a gene where loss of function (LOF) is a known mechanism of disease.;The prevalence of the variant in affected individuals is significantly increased compared to the prevalence in controls.;Patient's phenotype or family history is highly specific for a disease with a single genetic etiology.

NM_000297.4(PKD2):c.2051_2054del (p.Tyr684fs)

Gene: PKD2 (polycystin 2, transient receptor potential cation channel; plus strand). Cytogenetic location: 4q22.1.
Variant type: Deletion.
Coding change: c.2051_2054del on transcript NM_000297.4 (MANE Select); coding-DNA positions 2051 to 2054, 4 bases deleted (ACTC; older notation c.2051_2054delACTC).
Protein change: p.Tyr684fs; shifts the reading frame from tyrosine 684.
Molecular consequence: frameshift variant. On other transcripts: non-coding transcript variant (1).
Genome position (GRCh38, 1-based): chr4:88,061,937-88,061,940, ACTC deleted. VCF-style (leftmost placement, unchanged base first): chr4-88061936-TACTC-T. GRCh37 (hg19) VCF-style: chr4-88983088-TACTC-T.
Other names: c.1826_1829del, p.Tyr609fs (NM_001440544.1); short protein forms Y609fs, Y684fs.
Identifiers: ClinVar variation 5020055 (VCV005020055.1).